The following is an entry in ClinVar:

ClinVar aggregate classification (germline): Uncertain significance (1 of 4 stars; one submission).

Allele frequency attached by ClinVar (database versions not stated): gnomAD 0.00001; ExAC 0.00002; gnomAD exomes 0.00002; TOPMed 0.00003.
gnomAD v4.1: 67 of 1,613,554 alleles (0.0042%); highest among the groups gnomAD compares: Non-Finnish European, 0.0051%; no homozygotes.

Submission:

Labcorp Genetics (formerly Invitae), Labcorp
Classification: Uncertain significance. Last evaluated: 2025-08-18. Review status: criteria provided, single submitter. Criteria: Invitae Variant Classification Sherloc (09022015). Collection method: clinical testing. Allele origin: germline.
Comment: This sequence change replaces isoleucine, which is neutral and non-polar, with valine, which is neutral and non-polar, at codon 831 of the ATR protein (p.Ile831Val). This variant is present in population databases (rs778414220, gnomAD 0.004%). This variant has not been reported in the literature in individuals affected with ATR-related conditions. ClinVar contains an entry for this variant (Variation ID: 936644). An algorithm developed to predict the effect of missense changes on protein structure and function (PolyPhen-2) suggests that this variant is likely to be tolerated. In summary, the available evidence is currently insufficient to determine the role of this variant in disease. Therefore, it has been classified as a Variant of Uncertain Significance.

NM_001184.4(ATR):c.2491A>G (p.Ile831Val)

Gene: ATR (ATR checkpoint kinase; minus strand). Cytogenetic location: 3q23.
Variant type: single nucleotide variant.
Coding change: c.2491A>G on transcript NM_001184.4 (MANE Select); coding-DNA position 2491, A replaced by G.
Protein change: p.Ile831Val; replaces isoleucine 831 with valine.
Molecular consequence: missense variant.
Genome position (GRCh38, 1-based): chr3:142,553,866, T>C on the plus strand (A>G on the coding strand, the complement: ATR is on the minus strand). VCF-style: chr3-142553866-T-C. GRCh37 (hg19) VCF-style: chr3-142272708-T-C.
Other names: c.2299A>G, p.Ile767Val (NM_001354579.2); short protein forms I767V, I831V.
Identifiers: ClinVar variation 936644 (VCV000936644.8), dbSNP rs778414220, ClinGen allele CA2650353.
Genomic context (GRCh38, chr3:142,553,866, plus strand): 5'-AAAAACAAAAATTATCAACCTCCTTTATAAATCCATCTTCAGAGTCCAAGGATTCCAATA[T>C]GTGCTTGATATTTCCACTAAAAGCCACTCTAACATCTTTGTCTGGATCTTCCATTAAATT-3'
Protein context (NP_001175.2, residues 821-841): RVAFSGNIKH[Ile831Val]LESLDSEDGF